The following is an entry in ClinVar:

NM_182746.3(MCM4):c.169G>A (p.Val57Met)

Gene: MCM4 (minichromosome maintenance complex component 4; plus strand). Cytogenetic location: 8q11.21.
Variant type: single nucleotide variant.
Coding change: c.169G>A on transcript NM_182746.3 (MANE Select); coding-DNA position 169, G replaced by A.
Protein change: p.Val57Met; replaces valine 57 with methionine.
Molecular consequence: missense variant.
Genome position (GRCh38, 1-based): chr8:47,961,614, G>A. VCF-style: chr8-47961614-G-A. GRCh37 (hg19) VCF-style: chr8-48874174-G-A.
Other names: c.169G>A, p.Val57Met (NM_005914.4); c.169G>A (NM_005914.3); short protein forms V57M.
Identifiers: ClinVar variation 1444672 (VCV001444672.5), dbSNP rs577919855, ClinGen allele CA4742202.

ClinVar aggregate classification (germline): Uncertain significance. Review status: criteria provided, multiple submitters, no conflicts (2 of 4 stars). 2 submissions from 2 submitters: Uncertain significance (2). Last evaluated 2025-12-06.

Allele frequency attached by ClinVar (database versions not stated): ExAC 0.00005; gnomAD exomes 0.00005 and 0.00011; TOPMed 0.00008; gnomAD 0.00009; 1000 Genomes Project 0.00020; 1000 Genomes Project 30x 0.00031.
gnomAD v4.1: 165 of 1,614,190 alleles (0.01%); highest among the groups gnomAD compares: Non-Finnish European, 0.013%; no homozygotes.

Submissions (2):

Labcorp Genetics (formerly Invitae), Labcorp
Classification: Uncertain significance. Last evaluated: 2025-12-06. Review status: criteria provided, single submitter. Criteria: Invitae Variant Classification Sherloc (09022015). Collection method: clinical testing. Allele origin: germline.
Comment: This sequence change replaces valine, which is neutral and non-polar, with methionine, which is neutral and non-polar, at codon 57 of the MCM4 protein (p.Val57Met). This variant is present in population databases (rs577919855, gnomAD 0.01%). This variant has not been reported in the literature in individuals affected with MCM4-related conditions. ClinVar contains an entry for this variant (Variation ID: 1444672). An algorithm developed to predict the effect of missense changes on protein structure and function (PolyPhen-2) suggests that this variant is likely to be tolerated. In summary, the available evidence is currently insufficient to determine the role of this variant in disease. Therefore, it has been classified as a Variant of Uncertain Significance.

Ambry Genetics
Classification: Uncertain significance. Last evaluated: 2024-03-31. Review status: criteria provided, single submitter. Criteria: Ambry Variant Classification Scheme 2023. Collection method: clinical testing. Allele origin: germline.